The following is an entry in ClinVar:

ClinVar aggregate classification (germline): Likely benign. Review status: criteria provided, multiple submitters, no conflicts (2 of 4 stars). 2 submissions from 2 submitters: Likely benign (2). Last evaluated 2026-05-01.

Conditions:
Atrioventricular septal defect, susceptibility to, 2. Identifiers: MedGen C1853508, MONDO:0011650, OMIM 606217.

Allele frequency attached by ClinVar (database versions not stated): gnomAD exomes below 0.00001; TOPMed below 0.00001.

Submissions (2):

CeGaT Center for Human Genetics Tuebingen
Classification: Likely benign. Last evaluated: 2026-05-01. Review status: criteria provided, single submitter. Criteria: CeGaT Center For Human Genetics Tuebingen Variant Classification Criteria Version 2. Collection method: clinical testing. Allele origin: germline. Affected: yes. Observed: 1 variant allele.
Comment: CRELD1: BP4, BP7

Labcorp Genetics (formerly Invitae), Labcorp
Classification: Likely benign for Atrioventricular septal defect, susceptibility to, 2. Last evaluated: 2023-06-20. Review status: criteria provided, single submitter. Criteria: Invitae Variant Classification Sherloc (09022015). Collection method: clinical testing. Allele origin: germline.

NM_001077415.3(CRELD1):c.828G>A (p.Lys276=)

Gene: CRELD1 (CRELD disulfide isomerase 1; plus strand). Cytogenetic location: 3p25.3.
Variant type: single nucleotide variant.
Coding change: c.828G>A on transcript NM_001077415.3 (MANE Select); coding-DNA position 828, G replaced by A.
Protein change: p.Lys276=; no amino-acid change (lysine 276 retained).
Molecular consequence: synonymous variant. On other transcripts: non-coding transcript variant (3).
Genome position (GRCh38, 1-based): chr3:9,943,087, G>A. VCF-style: chr3-9943087-G-A. GRCh37 (hg19) VCF-style: chr3-9984771-G-A.
Other names: c.828G>A, p.Lys276= (NM_001031717.4, NM_001374316.1, NM_001374317.1 and 3 more transcripts); c.744G>A, p.Lys248= (NM_001374319.1, NM_001374320.1).
Identifiers: ClinVar variation 2993162 (VCV002993162.5), dbSNP rs983476737, ClinGen allele CA70009015.